The following is an entry in ClinVar:

NM_001277115.2(DNAH11):c.13008G>A (p.Trp4336Ter)

Gene: DNAH11 (dynein axonemal heavy chain 11; plus strand). Cytogenetic location: 7p15.3.
Variant type: single nucleotide variant.
Coding change: c.13008G>A on transcript NM_001277115.2 (MANE Select); coding-DNA position 13008, G replaced by A.
Protein change: p.Trp4336Ter; replaces tryptophan 4336 with a stop codon.
Molecular consequence: nonsense.
Genome position (GRCh38, 1-based): chr7:21,894,958, G>A. VCF-style: chr7-21894958-G-A. GRCh37 (hg19) VCF-style: chr7-21934576-G-A.
Other names: short protein forms W4336*.
Identifiers: ClinVar variation 842993 (VCV000842993.8), dbSNP rs1162823375, ClinGen allele CA366954936.
Genomic context (GRCh38, chr7:21,894,958, plus strand): 5'-ATCTCCTGCTGTGGAAGCCCAGCAGTTTGCATTGAGTTATGACACGGTACCAGACACTTG[G>A]AGCAAACTGGCTTATCCTTCTACTTATGGCCTAGCCCAGTGGTAAGCTACCCCATCCTCA-3'

ClinVar aggregate classification (germline): Pathogenic (1 of 4 stars; one submission).

Conditions:
Primary ciliary dyskinesia. Also called: Ciliary dyskinesia. Identifiers: Orphanet 244, MedGen C0008780, MONDO:0016575, HP:0012265.

gnomAD v4.1: 1 of 1,613,974 alleles (0.000062%); highest among the groups gnomAD compares: East Asian, 0.0022%; no homozygotes.

Submission:

Labcorp Genetics (formerly Invitae), Labcorp
Classification: Pathogenic for Primary ciliary dyskinesia. Last evaluated: 2019-12-06. Review status: criteria provided, single submitter. Criteria: Invitae Variant Classification Sherloc (09022015). Collection method: clinical testing. Allele origin: germline.
Comment: For these reasons, this variant has been classified as Pathogenic. Loss-of-function variants in DNAH11 are known to be pathogenic (PMID: 18022865, 20513915, 22184204). This variant has not been reported in the literature in individuals with DNAH11-related conditions. This variant is not present in population databases (ExAC no frequency). This sequence change creates a premature translational stop signal (p.Trp4336*) in the DNAH11 gene. It is expected to result in an absent or disrupted protein product.

Literature cited by the submitters: PubMed 18022865; PubMed 20513915; PubMed 22184204.